The following is an entry in ClinVar:

ClinVar aggregate classification (germline): Likely benign. Review status: criteria provided, multiple submitters, no conflicts (2 of 4 stars). 2 submissions from 2 submitters: Likely benign (2). Last evaluated 2023-05-28.

Conditions:
GM3 synthase deficiency (SPDRS). Also called: SALT AND PEPPER DEVELOPMENTAL REGRESSION SYNDROME; AMISH INFANTILE EPILEPSY SYNDROME; SALT AND PEPPER MENTAL RETARDATION SYNDROME. Identifiers: Orphanet 171714, Orphanet 370933, MedGen C1836824, MONDO:0018274, OMIM 609056.

Allele frequency attached by ClinVar (database versions not stated): gnomAD exomes below 0.00001 and 0.00001; ExAC 0.00001; gnomAD 0.00001; TOPMed 0.00001; 1000 Genomes Project 30x 0.00047; 1000 Genomes Project 0.00060.
gnomAD v4.1: 3 of 1,614,144 alleles (0.00019%); highest among the groups gnomAD compares: East Asian, 0.0067%; no homozygotes.

Submissions (2):

Labcorp Genetics (formerly Invitae), Labcorp
Classification: Likely benign for GM3 synthase deficiency. Last evaluated: 2023-05-28. Review status: criteria provided, single submitter. Criteria: Invitae Variant Classification Sherloc (09022015). Collection method: clinical testing. Allele origin: germline.

Illumina Laboratory Services, Illumina
Classification: Likely benign for GM3 synthase deficiency. Last evaluated: 2018-01-13. Review status: criteria provided, single submitter. Criteria: ICSL Variant Classification Criteria 13 December 2019. Collection method: clinical testing. Allele origin: germline.
Comment: This variant was observed in the ICSL laboratory as part of a predisposition screen in an ostensibly healthy population. It had not been previously curated by ICSL or reported in the Human Gene Mutation Database (HGMD: prior to June 1st, 2018), and was therefore a candidate for classification through an automated scoring system. Utilizing variant allele frequency, disease prevalence and penetrance estimates, and inheritance mode, an automated score was calculated to assess if this variant is too frequent to cause the disease. Based on the score and internal cut-off values, a variant classified as likely benign is not then subjected to further curation. The score for this variant resulted in a classification of likely benign for this disease.

NM_003896.4(ST3GAL5):c.84A>C (p.Ala28=)

Gene: ST3GAL5 (ST3 beta-galactoside alpha-2,3-sialyltransferase 5; minus strand). Cytogenetic location: 2p11.2.
Variant type: single nucleotide variant.
Coding change: c.84A>C on transcript NM_003896.4 (MANE Select); coding-DNA position 84, A replaced by C.
Protein change: p.Ala28=; no amino-acid change (alanine 28 retained).
Molecular consequence: synonymous variant. On other transcripts: 5 prime UTR variant (8).
Genome position (GRCh38, 1-based): chr2:85,863,484, T>G on the plus strand (A>C on the coding strand, the complement: ST3GAL5 is on the minus strand). VCF-style: chr2-85863484-T-G. GRCh37 (hg19) VCF-style: chr2-86090607-T-G.
Other names: c.15A>C, p.Pro5= (NM_001042437.2); c.-478A>C (NM_001354223.2, NM_001354226.2); c.-541A>C (NM_001354224.2); c.-1A>C (NM_001354227.2, NM_001354229.2, NM_001354238.1); c.-918A>C (NM_001354233.2); c.-882A>C (NM_001354234.1); c.84A>C, p.Ala28= (NM_001363847.1).
Identifiers: ClinVar variation 337339 (VCV000337339.8), dbSNP rs530496667, ClinGen allele CA1745163.